The following is an entry in ClinVar:

NM_000095.3(COMP):c.1368GGA[1] (p.Glu457del)

Gene: COMP (cartilage oligomeric matrix protein; minus strand). Cytogenetic location: 19p13.11.
Variant type: Microsatellite.
Coding change: c.1368GGA[1] on transcript NM_000095.3 (MANE Select); one copy of the 3-base unit GGA starting at c.1368; the reference has two copies in a row; one copy, 3 bases deleted; also written c.1371_1373del.
Protein change: p.Glu457del; deletes glutamic acid 457.
Molecular consequence: inframe deletion.
Genome position (GRCh38, 1-based): chr19:18,786,081-18,786,083, TCC deleted on the plus strand (GGA on the coding strand, the reverse complement: COMP is on the minus strand); deleting any 3 consecutive bases within chr19:18,786,081-18,786,087 gives the same sequence; the position shown is the placement nearest the transcript's 3' end. VCF-style (leftmost placement, unchanged base first): chr19-18786080-GTCC-G. GRCh37 (hg19) VCF-style: chr19-18896890-GTCC-G.
Other names: c.1371_1373del (NM_000095.2); c.1371_1373delGGA (NM_000095.2); short protein forms E457del.
Identifiers: ClinVar variation 807399 (VCV000807399.14), dbSNP rs1601053887, ClinGen allele CA915952950.

ClinVar aggregate classification (germline): Pathogenic/Likely pathogenic. Review status: criteria provided, multiple submitters, no conflicts (2 of 4 stars). 4 submissions from 4 submitters: Pathogenic (1); Likely pathogenic (3). Last evaluated 2025-03-07.

Conditions:
COMP-related disorder. Also called: COMP-related condition; COMP-related disorders.
Pseudoachondroplastic spondyloepiphyseal dysplasia syndrome (PSACH). Also called: Pseudoachondroplasia; PSEUDOACHONDROPLASTIC DYSPLASIA; COMP-Related Pseudoachondroplasia. Identifiers: Orphanet 750, MedGen C0410538, MONDO:0008322, OMIM 177170.

Submissions (4):

GeneDx
Classification: Likely pathogenic. Last evaluated: 2025-03-07. Review status: criteria provided, single submitter. Criteria: GeneDx Variant Classification Process June 2021. Collection method: clinical testing. Allele origin: germline. Affected: yes.
Comment: Identified in patients with COMP-related clinical features referred for genetic testing at GeneDx and in published literature (PMID: 10691412); Not observed at significant frequency in large population cohorts (gnomAD); In-frame deletion of 1 amino acid in a non-repeat region; In silico analysis supports a deleterious effect on protein structure/function; This variant is associated with the following publications: (PMID: 33057194, 35982159, 38702915, 12483304, 10691412)

Labcorp Genetics (formerly Invitae), Labcorp
Classification: Likely pathogenic. Last evaluated: 2022-11-08. Review status: criteria provided, single submitter. Criteria: Invitae Variant Classification Sherloc (09022015). Collection method: clinical testing. Allele origin: germline.
Comment: In summary, the currently available evidence indicates that the variant is pathogenic, but additional data are needed to prove that conclusively. Therefore, this variant has been classified as Likely Pathogenic. ClinVar contains an entry for this variant (Variation ID: 807399). This variant has been observed in individual(s) with clinical features of multiple epiphyseal dysplasia and/or pseudoachondroplasia (PMID: 10691412, 12483304; Invitae). In at least one individual the variant was observed to be de novo. This variant is not present in population databases (gnomAD no frequency). This variant, c.1371_1373del, results in the deletion of 1 amino acid(s) of the COMP protein (p.Glu457del), but otherwise preserves the integrity of the reading frame.

Institute of Human Genetics Munich, TUM University Hospital
Classification: Pathogenic for Pseudoachondroplastic spondyloepiphyseal dysplasia syndrome. Last evaluated: 2019-06-07. Review status: criteria provided, single submitter. Criteria: Classification criteria August 2017. Collection method: clinical testing. Allele origin: de novo. Inheritance: Autosomal dominant inheritance. Affected: yes. Observed: 1 heterozygote.

Blueprint Genetics
Classification: Likely pathogenic for COMP-related disorders. Last evaluated: 2017-12-26. Review status: criteria provided, single submitter. Criteria: ACMG Guidelines, 2015. Collection method: clinical testing. Allele origin: germline. Affected: yes. Observed: 1 variant allele.

Literature cited by the submitters: PubMed 10691412 (cited by Labcorp Genetics (formerly Invitae), Labcorp); PubMed 12483304 (cited by Labcorp Genetics (formerly Invitae), Labcorp).